The following is an entry in ClinVar:

ClinVar aggregate classification (germline): Likely pathogenic (1 of 4 stars; one submission).

Submission:

Labcorp Genetics (formerly Invitae), Labcorp
Classification: Likely pathogenic. Last evaluated: 2023-08-25. Review status: criteria provided, single submitter. Criteria: Invitae Variant Classification Sherloc (09022015). Collection method: clinical testing. Allele origin: germline.
Comment: In summary, the currently available evidence indicates that the variant is pathogenic, but additional data are needed to prove that conclusively. Therefore, this variant has been classified as Likely Pathogenic. Algorithms developed to predict the effect of sequence changes on RNA splicing suggest that this variant may disrupt the consensus splice site. This variant has not been reported in the literature in individuals affected with CEP152-related conditions. This variant is not present in population databases (gnomAD no frequency). This sequence change affects a donor splice site in intron 20 of the CEP152 gene. It is expected to disrupt RNA splicing. Variants that disrupt the donor or acceptor splice site typically lead to a loss of protein function (PMID: 16199547), and loss-of-function variants in CEP152 are known to be pathogenic (PMID: 21131973).

Literature cited by the submitters: PubMed 16199547; PubMed 21131973.

NM_001194998.2(CEP152):c.3345+2T>G

Gene: CEP152 (centrosomal protein 152; minus strand). Cytogenetic location: 15q21.1.
Variant type: single nucleotide variant.
Coding change: c.3345+2T>G on transcript NM_001194998.2 (MANE Select); the canonical splice donor site of the intron after coding-DNA position 3345, T replaced by G.
Molecular consequence: splice donor variant.
Genome position (GRCh38, 1-based): chr15:48,755,901, A>C on the plus strand (T>G on the coding strand, the complement: CEP152 is on the minus strand). VCF-style: chr15-48755901-A-C. GRCh37 (hg19) VCF-style: chr15-49048098-A-C.
Other names: c.3345+2T>G (NM_014985.4).
Identifiers: ClinVar variation 2755047 (VCV002755047.3), dbSNP rs2504598589, ClinGen allele CA392341466.